The following is an entry in ClinVar:

ClinVar aggregate classification (germline): Uncertain significance. Review status: criteria provided, multiple submitters, no conflicts (2 of 4 stars). 2 submissions from 2 submitters: Uncertain significance (2). Last evaluated 2025-05-27.

Conditions:
Hereditary cancer-predisposing syndrome. Also called: Neoplastic Syndromes, Hereditary; Hereditary neoplastic syndrome; Tumor predisposition; Hereditary Cancer Syndrome. Identifiers: Orphanet 140162, MedGen C0027672, MeSH D009386, MONDO:0015356.
Tuberous sclerosis 2 (TSC2). Identifiers: Orphanet 805, MedGen C1860707, MONDO:0013199, OMIM 613254.

Allele frequency attached by ClinVar (database versions not stated): gnomAD exomes below 0.00001.
gnomAD v4.1: 1 of 1,612,842 alleles (0.000062%); highest among the groups gnomAD compares: Non-Finnish European, 0.000085%; no homozygotes.

Submissions (2):

Ambry Genetics
Classification: Uncertain significance for Hereditary cancer-predisposing syndrome. Last evaluated: 2025-05-27. Review status: criteria provided, single submitter. Criteria: Ambry Variant Classification Scheme 2023. Collection method: clinical testing. Allele origin: germline.
Comment: The p.E1583V variant (also known as c.4748A>T), located in coding exon 36 of the TSC2 gene, results from an A to T substitution at nucleotide position 4748. The glutamic acid at codon 1583 is replaced by valine, an amino acid with dissimilar properties. This amino acid position is conserved. In addition, this alteration is predicted to be deleterious by in silico analysis. Since supporting evidence is limited at this time, the clinical significance of this alteration remains unclear.

Labcorp Genetics (formerly Invitae), Labcorp
Classification: Uncertain significance for Tuberous sclerosis 2. Last evaluated: 2024-04-16. Review status: criteria provided, single submitter. Criteria: Invitae Variant Classification Sherloc (09022015). Collection method: clinical testing. Allele origin: germline.
Comment: This sequence change replaces glutamic acid, which is acidic and polar, with valine, which is neutral and non-polar, at codon 1583 of the TSC2 protein (p.Glu1583Val). This variant is not present in population databases (gnomAD no frequency). This variant has not been reported in the literature in individuals affected with TSC2-related conditions. ClinVar contains an entry for this variant (Variation ID: 843698). Advanced modeling of protein sequence and biophysical properties (such as structural, functional, and spatial information, amino acid conservation, physicochemical variation, residue mobility, and thermodynamic stability) performed at Invitae indicates that this missense variant is not expected to disrupt TSC2 protein function with a negative predictive value of 95%. In summary, the available evidence is currently insufficient to determine the role of this variant in disease. Therefore, it has been classified as a Variant of Uncertain Significance.

NM_000548.5(TSC2):c.4748A>T (p.Glu1583Val)

Gene: TSC2 (TSC complex subunit 2; plus strand). Cytogenetic location: 16p13.3.
Variant type: single nucleotide variant.
Coding change: c.4748A>T on transcript NM_000548.5 (MANE Select); coding-DNA position 4748, A replaced by T.
Protein change: p.Glu1583Val; replaces glutamic acid 1583 with valine.
Molecular consequence: missense variant.
Genome position (GRCh38, 1-based): chr16:2,086,278, A>T. VCF-style: chr16-2086278-A-T. GRCh37 (hg19) VCF-style: chr16-2136279-A-T.
Other names: c.4547A>T, p.Glu1516Val (NM_001077183.3); c.4679A>T, p.Glu1560Val (NM_001114382.3); c.4439A>T, p.Glu1480Val (NM_001318827.2); c.4403A>T, p.Glu1468Val (NM_001318829.2); c.4016A>T, p.Glu1339Val (NM_001318831.2); c.4580A>T, p.Glu1527Val (NM_001318832.2); c.4550A>T, p.Glu1517Val (NM_001363528.2); c.4616A>T, p.Glu1539Val (NM_001370404.1); and 1 more; short protein forms E1468V, E1480V, E1540V, E1583V, E1339V, E1516V, E1527V, E1539V.
Identifiers: ClinVar variation 843698 (VCV000843698.11), dbSNP rs1596439004, ClinGen allele CA394307722.